The following is an entry in ClinVar:

ClinVar aggregate classification (germline): Benign (1 of 4 stars; one submission).

Allele frequency attached by ClinVar (database versions not stated): gnomAD 0.00386; TOPMed 0.00435; 1000 Genomes Project 30x 0.00453; 1000 Genomes Project 0.00519.
gnomAD v4.1: 581 of 152,316 alleles (0.38%); highest among the groups gnomAD compares: African/African-American, 1.3%; 4 homozygotes.

Submission:

CeGaT Center for Human Genetics Tuebingen
Classification: Benign. Last evaluated: 2025-12-01. Review status: criteria provided, single submitter. Criteria: CeGaT Center For Human Genetics Tuebingen Variant Classification Criteria Version 2. Collection method: clinical testing. Allele origin: germline. Affected: yes. Observed: 2 variant alleles.
Comment: ITCH: BP4, BP7, BS1, BS2

NM_031483.7(ITCH):c.70+3424G>A

Gene: ITCH (itchy E3 ubiquitin protein ligase; plus strand). Cytogenetic location: 20q11.22.
Variant type: single nucleotide variant.
Coding change: c.70+3424G>A on transcript NM_031483.7 (MANE Select); 3424 bases into the intron after coding-DNA position 70, G replaced by A.
Molecular consequence: intron variant.
Genome position (GRCh38, 1-based): chr20:34,397,305, G>A. VCF-style: chr20-34397305-G-A. GRCh37 (hg19) VCF-style: chr20-32985111-G-A.
Other names: c.70+3424G>A (NM_001324197.2, NM_001324198.2, NM_001257137.3); c.-119+3424G>A (NM_001257138.3).
Identifiers: ClinVar variation 3234499 (VCV003234499.20), dbSNP rs140192911, ClinGen allele CA313394155.